The following is an entry in ClinVar:

NM_206933.4(USH2A):c.6938G>A (p.Gly2313Asp)

Gene: USH2A (usherin; minus strand). Cytogenetic location: 1q41.
Variant type: single nucleotide variant.
Coding change: c.6938G>A on transcript NM_206933.4 (MANE Select); coding-DNA position 6938, G replaced by A.
Protein change: p.Gly2313Asp; replaces glycine 2313 with aspartic acid.
Molecular consequence: missense variant.
Genome position (GRCh38, 1-based): chr1:215,970,644, C>T on the plus strand (G>A on the coding strand, the complement: USH2A is on the minus strand). VCF-style: chr1-215970644-C-T. GRCh37 (hg19) VCF-style: chr1-216143986-C-T.
Other names: short protein forms G2313D.
Identifiers: ClinVar variation 3907124 (VCV003907124.1).

ClinVar aggregate classification (germline): Uncertain significance (1 of 4 stars; one submission).

Submission:

Women's Health and Genetics/Laboratory Corporation of America, LabCorp
Classification: Uncertain significance. Last evaluated: 2025-06-27. Review status: criteria provided, single submitter. Criteria: LabCorp Variant Classification Summary - May 2015. Collection method: clinical testing. Allele origin: germline.
Comment: Variant summary: USH2A c.6938G>A (p.Gly2313Asp) results in a non-conservative amino acid change in the encoded protein sequence. Algorithms developed to predict the effect of missense changes on protein structure and function all suggest that this variant is likely to be disruptive. The variant was absent in 250934 control chromosomes. The available data on variant occurrences in the general population are insufficient to allow any conclusion about variant significance. To our knowledge, no occurrence of c.6938G>A in individuals affected with Usher Syndrome and no experimental evidence demonstrating its impact on protein function have been reported. No submitters have cited clinical-significance assessments for this variant to ClinVar. Based on the evidence outlined above, the variant was classified as uncertain significance.